The following is an entry in ClinVar:

ClinVar aggregate classification (germline): Uncertain significance (1 of 4 stars; one submission).

Conditions:
Charcot-Marie-Tooth disease type 2. Also called: Charcot-Marie-Tooth type 2. Identifiers: Orphanet 64746, MedGen C0270914, MONDO:0018993.

Allele frequency attached by ClinVar (database versions not stated): gnomAD 0.00001; ExAC 0.00005; gnomAD exomes 0.00001 and 0.00002.
gnomAD v4.1: 11 of 1,608,442 alleles (0.00068%); highest among the groups gnomAD compares: Non-Finnish European, 0.00085%; no homozygotes.

Submission:

Labcorp Genetics (formerly Invitae), Labcorp
Classification: Uncertain significance for Charcot-Marie-Tooth disease type 2. Last evaluated: 2019-11-24. Review status: criteria provided, single submitter. Criteria: Invitae Variant Classification Sherloc (09022015). Collection method: clinical testing. Allele origin: germline.
Comment: Algorithms developed to predict the effect of sequence changes on RNA splicing suggest that this variant may create or strengthen a splice site, but this prediction has not been confirmed by published transcriptional studies. This variant has not been reported in the literature in individuals with MED25-related conditions. This variant is present in population databases (rs765634152, ExAC 0.008%). This sequence change affects codon 485 of the MED25 mRNA. It is a 'silent' change, meaning that it does not change the encoded amino acid sequence of the MED25 protein. In summary, the available evidence is currently insufficient to determine the role of this variant in disease. Therefore, it has been classified as a Variant of Uncertain Significance.

NM_030973.4(MED25):c.1455C>T (p.Gly485=)

Gene: MED25 (mediator complex subunit 25; plus strand). Cytogenetic location: 19q13.33.
Variant type: single nucleotide variant.
Coding change: c.1455C>T on transcript NM_030973.4 (MANE Select); coding-DNA position 1455, C replaced by T.
Protein change: p.Gly485=; no amino-acid change (glycine 485 retained).
Molecular consequence: synonymous variant.
Genome position (GRCh38, 1-based): chr19:49,832,388, C>T. VCF-style: chr19-49832388-C-T. GRCh37 (hg19) VCF-style: chr19-50335645-C-T.
Other names: c.1455C>T, p.Gly485= (NM_001378355.1).
Identifiers: ClinVar variation 854103 (VCV000854103.9), dbSNP rs765634152, ClinGen allele CA9585277.